The following is an entry in ClinVar:

ClinVar aggregate classification (germline): Pathogenic (1 of 4 stars; one submission).

Conditions:
Familial cancer of breast. Also called: hereditary breast carcinoma; BREAST CANCER, FAMILIAL; Hereditary breast cancer. Identifiers: Orphanet 227535, MedGen C0346153, MONDO:0016419, OMIM 114480. Disease mechanism: loss of function.

Submission:

Myriad Genetics, Inc.
Classification: Pathogenic for Familial cancer of breast. Last evaluated: 2024-02-01. Review status: criteria provided, single submitter. Criteria: Myriad Autosomal Dominant, Autosomal Recessive and X-Linked Classification Criteria (2023). Collection method: clinical testing. Allele origin: unknown.
Comment: This variant is considered pathogenic. This variant creates a frameshift predicted to result in premature protein truncation.

NM_000051.4(ATM):c.7925_7926del (p.Arg2642fs)

Genes: ATM (ATM serine/threonine kinase; plus strand), C11orf65 (chromosome 11 open reading frame 65; minus strand). Cytogenetic location: 11q22.3.
Variant type: Microsatellite.
Coding change: c.7925_7926del on transcript NM_000051.4 (MANE Select); coding-DNA positions 7925 to 7926, 2 bases deleted (GA; older notation c.7925_7926delGA).
Protein change: p.Arg2642fs; shifts the reading frame from arginine 2642.
Molecular consequence: frameshift variant. On other transcripts: intron variant (2).
Genome position (GRCh38, 1-based): chr11:108,332,898-108,332,899, GA deleted; deleting any 2 consecutive bases within chr11:108,332,895-108,332,899 gives the same sequence; the c. name uses the placement nearest the transcript's 3' end. VCF-style (leftmost placement, unchanged base first): chr11-108332894-CAG-C. GRCh37 (hg19) VCF-style: chr11-108203621-CAG-C.
Other names: c.7925_7926del, p.Arg2642fs (NM_001351834.2); c.641-23825_641-23824del (NM_001330368.2); c.*38+2324_*38+2325del (NM_001351110.2); short protein forms R2642fs.
Identifiers: ClinVar variation 3148529 (VCV003148529.1), dbSNP rs2136573333, ClinGen allele CA2695215413.